The following is an entry in ClinVar:

NM_001353694.2(TIAM1):c.3232C>G (p.Gln1078Glu)

Gene: TIAM1 (TIAM Rac1 associated GEF 1; minus strand). Cytogenetic location: 21q22.11.
Variant type: single nucleotide variant.
Coding change: c.3232C>G on transcript NM_001353694.2 (MANE Select); coding-DNA position 3232, C replaced by G.
Protein change: p.Gln1078Glu; replaces glutamine 1078 with glutamic acid.
Molecular consequence: missense variant.
Genome position (GRCh38, 1-based): chr21:31,153,074, G>C on the plus strand (C>G on the coding strand, the complement: TIAM1 is on the minus strand). VCF-style: chr21-31153074-G-C. GRCh37 (hg19) VCF-style: chr21-32525392-G-C.
Other names: c.331C>G, p.Gln111Glu (NM_001353684.2); c.256C>G, p.Gln86Glu (NM_001353685.2); c.3157C>G, p.Gln1053Glu (NM_001353686.2, NM_001353687.2); c.3232C>G, p.Gln1078Glu (NM_001353688.1, NM_001353689.1, NM_001353690.1 and 4 more transcripts); short protein forms Q1053E, Q1078E, Q111E, Q86E.
Identifiers: ClinVar variation 3055045 (VCV003055045.3), dbSNP rs148571577, ClinGen allele CA9997879.

ClinVar aggregate classification (germline): Likely benign. Review status: criteria provided, single submitter (1 of 4 stars). 2 submissions from 2 submitters: Likely benign (1). 1 of the submissions does not count toward it. Last evaluated 2025-02-02.

Conditions:
TIAM1-related disorder. Also called: TIAM1-related condition.

Allele frequency attached by ClinVar (database versions not stated): gnomAD exomes 0.00010; ExAC 0.00038; 1000 Genomes Project 30x 0.00125; gnomAD 0.00132; 1000 Genomes Project 0.00140; TOPMed 0.00148; ESP Exome Variant Server 0.00154.
gnomAD v4.1: 357 of 1,613,528 alleles (0.022%); highest among the groups gnomAD compares: African/African-American, 0.44%; 2 homozygotes.

Submissions (2):

Women's Health and Genetics/Laboratory Corporation of America, LabCorp
Classification: Likely benign. Last evaluated: 2025-02-02. Review status: criteria provided, single submitter. Criteria: LabCorp Variant Classification Summary - May 2015. Collection method: clinical testing. Allele origin: germline.
Comment: Variant summary: TIAM1 c.3232C>G (p.Gln1078Glu) results in a conservative amino acid change located in the DBL homology domain of the encoded protein sequence. Three of five in-silico tools predict a benign effect of the variant on protein function. The variant allele was found at a frequency of 0.00032 in 250834 control chromosomes, predominantly at a frequency of 0.0047 within the African or African-American subpopulation in the gnomAD database. The observed variant frequency within African or African-American control individuals in the gnomAD database exceeds the estimated maximal expected allele frequency for a pathogenic variant in TIAM1 causing Neurodevelopmental Disorder With Language Delay And Seizures phenotype. To our knowledge, no occurrence of c.3232C>G in individuals affected with Neurodevelopmental Disorder With Language Delay And Seizures and no experimental evidence demonstrating its impact on protein function have been reported. ClinVar contains an entry for this variant (Variation ID: 3055045). Based on the evidence outlined above, the variant was classified as likely benign.

PreventionGenetics, part of Exact Sciences
Classification: Likely benign for TIAM1-related condition. Last evaluated: 2022-02-21. Review status: no assertion criteria provided. Collection method: clinical testing. Allele origin: germline. Not counted in ClinVar's aggregate classification.
Comment: This variant is classified as likely benign based on ACMG/AMP sequence variant interpretation guidelines (Richards et al. 2015 PMID: 25741868, with internal and published modifications).